The following is an entry in ClinVar:

NM_000382.3(ALDH3A2):c.465A>G (p.Leu155=)

Gene: ALDH3A2 (aldehyde dehydrogenase 3 family member A2; plus strand). Cytogenetic location: 17p11.2.
Variant type: single nucleotide variant.
Coding change: c.465A>G on transcript NM_000382.3 (MANE Select); coding-DNA position 465, A replaced by G.
Protein change: p.Leu155=; no amino-acid change (leucine 155 retained).
Molecular consequence: synonymous variant. On other transcripts: 5 prime UTR variant (1).
Genome position (GRCh38, 1-based): chr17:19,652,626, A>G. VCF-style: chr17-19652626-A-G. GRCh37 (hg19) VCF-style: chr17-19555939-A-G.
Other names: c.465A>G, p.Leu155= (NM_001031806.2, NM_001369136.1, NM_001369137.2 and 3 more transcripts); c.-224A>G (NM_001369148.2).
Identifiers: ClinVar variation 559248 (VCV000559248.18), dbSNP rs149865400, ClinGen allele CA8442809.
Genomic context (GRCh38, chr17:19,652,626, plus strand): 5'-GCCTTCTGAACTGAGTGAAAATACAGCCAAGATCTTGGCAAAGCTTCTCCCTCAGTATTT[A>G]GACCAGGTAAGAATTTCTTGACTCATCTCCAACATATGTGTTTACTGTGGAAAACACACA-3'
Protein context (NP_000373.1, residues 145-165): KILAKLLPQY[Leu155=]DQDLYIVING

ClinVar aggregate classification (germline): Benign/Likely benign. Review status: criteria provided, multiple submitters, no conflicts (2 of 4 stars). 5 submissions from 5 submitters: Benign (2); Likely benign (1). 2 of the submissions do not count toward it. Last evaluated 2026-01-28.

Conditions:
ALDH3A2-related disorder. Also called: ALDH3A2-related condition.

Allele frequency attached by ClinVar (database versions not stated): gnomAD exomes 0.00030; ExAC 0.00041; 1000 Genomes Project 30x 0.00094; 1000 Genomes Project 0.00120; ESP Exome Variant Server 0.00123; TOPMed 0.00147.
gnomAD v4.1: 386 of 1,611,468 alleles (0.024%); highest among the groups gnomAD compares: African/African-American, 0.45%; 2 homozygotes.

Submissions (5):

Labcorp Genetics (formerly Invitae), Labcorp
Classification: Benign. Last evaluated: 2026-01-28. Review status: criteria provided, single submitter. Criteria: Invitae Variant Classification Sherloc (09022015). Collection method: clinical testing. Allele origin: germline.

Blueprint Genetics
Classification: Likely benign. Last evaluated: 2024-11-13. Review status: criteria provided, single submitter. Criteria: ACMG Guidelines, 2015. Collection method: clinical testing. Allele origin: germline.

Breakthrough Genomics
Classification: Benign. Review status: criteria provided, single submitter. Criteria: ACMG Guidelines, 2015. Collection method: not provided. Allele origin: germline. Inheritance: Autosomal recessive inheritance. Affected: yes.

PreventionGenetics, part of Exact Sciences
Classification: Likely benign for ALDH3A2-related condition. Last evaluated: 2019-04-22. Review status: no assertion criteria provided. Collection method: clinical testing. Allele origin: germline. Not counted in ClinVar's aggregate classification.
Comment: This variant is classified as likely benign based on ACMG/AMP sequence variant interpretation guidelines (Richards et al. 2015 PMID: 25741868, with internal and published modifications).

Mayo Clinic Laboratories, Mayo Clinic
Classification: Likely benign. Last evaluated: 2016-02-29. Review status: no assertion criteria provided. Collection method: clinical testing. Allele origin: unknown. Not counted in ClinVar's aggregate classification.